The following is an entry in ClinVar:

ClinVar aggregate classification (germline): Uncertain significance. Review status: criteria provided, multiple submitters, no conflicts (2 of 4 stars). 2 submissions from 2 submitters: Uncertain significance (2). Last evaluated 2020-10-08.

Allele frequency attached by ClinVar (database versions not stated): gnomAD 0.00001; TOPMed 0.00001.
gnomAD v4.1: 1 of 1,614,030 alleles (0.000062%); highest among the groups gnomAD compares: African/African-American, 0.0013%; no homozygotes.

Submissions (2):

Labcorp Genetics (formerly Invitae), Labcorp
Classification: Uncertain significance. Last evaluated: 2020-10-08. Review status: criteria provided, single submitter. Criteria: Invitae Variant Classification Sherloc (09022015). Collection method: clinical testing. Allele origin: germline.
Comment: This sequence change replaces alanine with valine at codon 30 of the LRAT protein (p.Ala30Val). The alanine residue is weakly conserved and there is a small physicochemical difference between alanine and valine. This variant is not present in population databases (ExAC no frequency). This variant has not been reported in the literature in individuals with LRAT-related conditions. Algorithms developed to predict the effect of missense changes on protein structure and function (SIFT, PolyPhen-2, Align-GVGD) all suggest that this variant is likely to be tolerated, but these predictions have not been confirmed by published functional studies and their clinical significance is uncertain. In summary, the available evidence is currently insufficient to determine the role of this variant in disease. Therefore, it has been classified as a Variant of Uncertain Significance.

Blueprint Genetics
Classification: Uncertain significance. Last evaluated: 2019-10-03. Review status: criteria provided, single submitter. Criteria: ACMG Guidelines, 2015. Collection method: clinical testing. Allele origin: germline.

NM_004744.5(LRAT):c.89C>T (p.Ala30Val)

Gene: LRAT (lecithin retinol acyltransferase; plus strand). Cytogenetic location: 4q32.1.
Variant type: single nucleotide variant.
Coding change: c.89C>T on transcript NM_004744.5 (MANE Select); coding-DNA position 89, C replaced by T.
Protein change: p.Ala30Val; replaces alanine 30 with valine.
Molecular consequence: missense variant.
Genome position (GRCh38, 1-based): chr4:154,744,415, C>T. VCF-style: chr4-154744415-C-T. GRCh37 (hg19) VCF-style: chr4-155665567-C-T.
Other names: c.89C>T, p.Ala30Val (NM_001301645.2); short protein forms A30V.
Identifiers: ClinVar variation 1052828 (VCV001052828.9), dbSNP rs1042443674, ClinGen allele CA108930196.
Genomic context (GRCh38, chr4:154,744,415, plus strand): 5'-CTTTACTACTGGAGAAGCTGCTCCTCATCTCCAACTTCACGCTCTTTAGTTCGGGCGCCG[C>T]GGGCGAAGACAAAGGGAGGAACAGTTTTTATGAAACCAGCTCTTTCCACCGAGGCGACGT-3'
Protein context (NP_004735.2, residues 20-40): SNFTLFSSGA[Ala30Val]GEDKGRNSFY